The following is an entry in ClinVar:

ClinVar aggregate classification (germline): Pathogenic. Review status: criteria provided, multiple submitters, no conflicts (2 of 4 stars). 4 submissions from 4 submitters: Pathogenic (4). Last evaluated 2026-01-13.

Conditions:
EMD-related disorder. Also called: EMD-related condition.
X-linked Emery-Dreifuss muscular dystrophy. Also called: Muscular dystrophy, tardive Emery-Dreifuss type, with contractures. Identifiers: Orphanet 261, Orphanet 98863, MedGen C0751337, MONDO:0010680.

Submissions (4):

Labcorp Genetics (formerly Invitae), Labcorp
Classification: Pathogenic for X-linked Emery-Dreifuss muscular dystrophy. Last evaluated: 2026-01-13. Review status: criteria provided, single submitter. Criteria: Invitae Variant Classification Sherloc (09022015). Collection method: clinical testing. Allele origin: germline.
Comment: This sequence change creates a premature translational stop signal (p.Ser171*) in the EMD gene. While this is not anticipated to result in nonsense mediated decay, it is expected to disrupt the last 84 amino acid(s) of the EMD protein. This variant is not present in population databases (gnomAD no frequency). This premature translational stop signal has been observed in individual(s) with Emery-Dreifuss muscular dystrophy (PMID: 10874323). ClinVar contains an entry for this variant (Variation ID: 290259). This variant disrupts a region of the EMD protein in which other variant(s) (p.Leu217Profs*31) have been determined to be pathogenic (internal data). This suggests that this is a clinically significant region of the protein, and that variants that disrupt it are likely to be disease-causing. For these reasons, this variant has been classified as Pathogenic.

PreventionGenetics, part of Exact Sciences
Classification: Pathogenic for EMD-related condition. Last evaluated: 2024-12-18. Review status: criteria provided, single submitter. Criteria: ACMG Guidelines, 2015. Collection method: clinical testing. Allele origin: germline.
Comment: The EMD c.512C>A variant is predicted to result in premature protein termination (p.Ser171*). This variant has been reported to segregate in affected members of a family with Emery-Dreifuss muscular dystrophy (Menache et al. 2000. PubMed ID: 10874323). This variant has not been reported in a large population database (gnomAD), indicating this variant is rare. Nonsense variants in EMD are expected to be pathogenic. This variant is interpreted as pathogenic.

Eurofins Ntd Llc (ga)
Classification: Pathogenic. Last evaluated: 2016-09-23. Review status: criteria provided, single submitter. Criteria: EGL Classification Definitions 2015. Collection method: clinical testing. Allele origin: germline. Observed: 1 variant allele, 1 hemizygote.

Molecular Diagnostics Lab, Nemours Children's Health, Delaware
Classification: Pathogenic. Last evaluated: 2016-07-18. Review status: criteria provided, single submitter. Criteria: ACMG Guidelines, 2015. Collection method: clinical testing. Allele origin: maternal. Affected: yes. Observed: 2 hemizygotes.

Literature cited by the submitters: PubMed 10874323 (cited by Labcorp Genetics (formerly Invitae), Labcorp and Molecular Diagnostics Lab, Nemours Children's Health, Delaware).

NM_000117.3(EMD):c.512C>A (p.Ser171Ter)

Gene: EMD (emerin; plus strand). Cytogenetic location: Xq28.
Variant type: single nucleotide variant.
Coding change: c.512C>A on transcript NM_000117.3 (MANE Select); coding-DNA position 512, C replaced by A.
Protein change: p.Ser171Ter; replaces serine 171 with a stop codon.
Molecular consequence: nonsense.
Genome position (GRCh38, 1-based): chrX:154,380,944, C>A. VCF-style: chrX-154380944-C-A. GRCh37 (hg19) VCF-style: chrX-153609304-C-A.
Other names: short protein forms S171*.
Identifiers: ClinVar variation 290259 (VCV000290259.11), dbSNP rs886044901, ClinGen allele CA10606711.
Genomic context (GRCh38, chrX:154,380,944, plus strand): 5'-AACGCCCCATGTACGGCCGGGACAGTGCCTACCAGAGCATCACGCACTACCGCCCTGTTT[C>A]AGCCTCCAGGAGCTCCCTGGACCTGTCCTATTATCCTACTTCCTCCTCCACCTCTTTTAT-3'